The following is an entry in ClinVar:

ClinVar aggregate classification (germline): Uncertain significance (1 of 4 stars; one submission).

Allele frequency attached by ClinVar (database versions not stated): gnomAD 0.00003; TOPMed 0.00004.
gnomAD v4.1: 50 of 1,613,910 alleles (0.0031%); highest among the groups gnomAD compares: Admixed American, 0.01%; no homozygotes.

Submission:

Labcorp Genetics (formerly Invitae), Labcorp
Classification: Uncertain significance. Last evaluated: 2024-10-23. Review status: criteria provided, single submitter. Criteria: Invitae Variant Classification Sherloc (09022015). Collection method: clinical testing. Allele origin: germline.
Comment: This sequence change replaces threonine, which is neutral and polar, with methionine, which is neutral and non-polar, at codon 3163 of the FAT4 protein (p.Thr3163Met). This variant is present in population databases (rs770333760, gnomAD 0.01%). This variant has not been reported in the literature in individuals affected with FAT4-related conditions. ClinVar contains an entry for this variant (Variation ID: 1509431). Invitae Evidence Modeling of protein sequence and biophysical properties (such as structural, functional, and spatial information, amino acid conservation, physicochemical variation, residue mobility, and thermodynamic stability) indicates that this missense variant is not expected to disrupt FAT4 protein function with a negative predictive value of 95%. In summary, the available evidence is currently insufficient to determine the role of this variant in disease. Therefore, it has been classified as a Variant of Uncertain Significance.

NM_001291303.3(FAT4):c.9494C>T (p.Thr3165Met)

Gene: FAT4 (FAT atypical cadherin 4; plus strand). Cytogenetic location: 4q28.1.
Variant type: single nucleotide variant.
Coding change: c.9494C>T on transcript NM_001291303.3 (MANE Select); coding-DNA position 9494, C replaced by T.
Protein change: p.Thr3165Met; replaces threonine 3165 with methionine.
Molecular consequence: missense variant.
Genome position (GRCh38, 1-based): chr4:125,450,504, C>T. VCF-style: chr4-125450504-C-T. GRCh37 (hg19) VCF-style: chr4-126371659-C-T.
Other names: c.9494C>T, p.Thr3165Met (NM_001291285.3); c.9488C>T, p.Thr3163Met (NM_024582.6); short protein forms T3163M, T3165M.
Identifiers: ClinVar variation 1509431 (VCV001509431.7), dbSNP rs770333760, ClinGen allele CA3073535.